The following is an entry in ClinVar:

NM_025114.4(CEP290):c.307C>T (p.Gln103Ter)

Gene: CEP290 (centrosomal protein 290; minus strand). Cytogenetic location: 12q21.32.
Variant type: single nucleotide variant.
Coding change: c.307C>T on transcript NM_025114.4 (MANE Select); coding-DNA position 307, C replaced by T.
Protein change: p.Gln103Ter; replaces glutamine 103 with a stop codon.
Molecular consequence: nonsense.
Genome position (GRCh38, 1-based): chr12:88,136,777, G>A on the plus strand (C>T on the coding strand, the complement: CEP290 is on the minus strand). VCF-style: chr12-88136777-G-A. GRCh37 (hg19) VCF-style: chr12-88530554-G-A.
Other names: c.307C>T (NM_025114.3); short protein forms Q103*.
Identifiers: ClinVar variation 1073163 (VCV001073163.10), dbSNP rs752144368, ClinGen allele CA6712832.

ClinVar aggregate classification (germline): Pathogenic/Likely pathogenic. Review status: criteria provided, multiple submitters, no conflicts (2 of 4 stars). 4 submissions from 4 submitters: Pathogenic (1); Likely pathogenic (3). Last evaluated 2024-05-22.

Conditions:
Nephronophthisis. Also called: Juvenile Nephronophthisis. Identifiers: MedGen C0687120, MONDO:0019005, HP:0000090, Orphanet 655.
Joubert syndrome. Also called: JOUBERT-BOLTSHAUSER SYNDROME; Familial aplasia of the vermis. Identifiers: Orphanet 475, MedGen C5979921, MONDO:0018772.
Meckel-Gruber syndrome. Also called: DYSENCEPHALIA SPLANCHNOCYSTICA; GRUBER SYNDROME; Dysencephalia splachnocystica. Identifiers: Orphanet 564, MedGen C0265215, MONDO:0018921.
CEP290-related disorder. Also called: CEP290-related condition; CEP290-related disorders. Identifiers: MedGen CN239314.
Leber congenital amaurosis (LCA). Also called: Leber's amaurosis. Identifiers: Orphanet 65, MedGen C0339527, MeSH D057130, MONDO:0018998.
Bardet-Biedl syndrome 14 (BBS14). Identifiers: Orphanet 110, MedGen C2673874, MONDO:0014442, OMIM 615991.

Allele frequency attached by ClinVar (database versions not stated): ExAC 0.00001; gnomAD exomes 0.00001.
gnomAD v4.1: 10 of 1,613,422 alleles (0.00062%); highest among the groups gnomAD compares: Non-Finnish European, 0.00085%; no homozygotes.

Submissions (4):

Natera, Inc.
Classification: Likely pathogenic for Leber congenital amaurosis. Last evaluated: 2024-05-22. Review status: criteria provided, single submitter. Criteria: Natera Variant Classification Schema (03/2026). Collection method: clinical testing. Allele origin: germline.
Comment: The c.307C>T variant in CEP290 is a nonsense variant predicted to introduce a stop codon at amino acid 103. This variant is expected to result in nonsense mediated decay, truncation, or a dysfunctional protein product. This variant is rare in the general population with a frequency below the threshold expected for the associated phenotype(s). Given the available evidence, this variant is classified as Likely Pathogenic.

Labcorp Genetics (formerly Invitae), Labcorp
Classification: Pathogenic for Joubert syndrome; Meckel-Gruber syndrome; Nephronophthisis. Last evaluated: 2023-06-14. Review status: criteria provided, single submitter. Criteria: Invitae Variant Classification Sherloc (09022015). Collection method: clinical testing. Allele origin: germline.
Comment: This sequence change creates a premature translational stop signal (p.Gln103*) in the CEP290 gene. It is expected to result in an absent or disrupted protein product. Loss-of-function variants in CEP290 are known to be pathogenic (PMID: 16909394, 17345604, 20690115). This variant is present in population databases (rs752144368, gnomAD 0.002%). This variant has not been reported in the literature in individuals affected with CEP290-related conditions. ClinVar contains an entry for this variant (Variation ID: 1073163). Algorithms developed to predict the effect of sequence changes on RNA splicing suggest that this variant may disrupt the consensus splice site. For these reasons, this variant has been classified as Pathogenic.

Baylor Genetics
Classification: Likely pathogenic for Bardet-Biedl syndrome 14. Last evaluated: 2023-02-13. Review status: criteria provided, single submitter. Criteria: ACMG Guidelines, 2015. Collection method: clinical testing. Allele origin: unknown.

Blueprint Genetics
Classification: Likely pathogenic for CEP290-related disorders. Last evaluated: 2021-03-29. Review status: criteria provided, single submitter. Criteria: ACMG Guidelines, 2015. Collection method: clinical testing. Allele origin: germline. Affected: yes. Observed: 1 variant allele.

Literature cited by the submitters: PubMed 16909394 (cited by Labcorp Genetics (formerly Invitae), Labcorp); PubMed 17345604 (cited by Labcorp Genetics (formerly Invitae), Labcorp); PubMed 20690115 (cited by Labcorp Genetics (formerly Invitae), Labcorp).